The following is an entry in ClinVar:

ClinVar aggregate classification (germline): Uncertain significance (1 of 4 stars; one submission).

Conditions:
Hereditary cancer-predisposing syndrome. Also called: Tumor predisposition; Hereditary neoplastic syndrome; Neoplastic Syndromes, Hereditary; Hereditary Cancer Syndrome. Identifiers: Orphanet 140162, MedGen C0027672, MeSH D009386, MONDO:0015356.

Submission:

Ambry Genetics
Classification: Uncertain significance for Hereditary cancer-predisposing syndrome. Last evaluated: 2025-05-07. Review status: criteria provided, single submitter. Criteria: Ambry Variant Classification Scheme 2023. Collection method: clinical testing. Allele origin: germline.
Comment: The c.595T>G variant (also known as p.*199Eext*60), located in coding exon 2 of the CDKN1B gene, results from a T to G substitution at nucleotide position 595, which is the last nucleotide of the CDKN1B gene. The stop codon at position 199 is replaced by glutamic acid. This alteration disrupts the stop codon of the CDKN1B gene and is predicted to preserve the native sequence while resulting in the elongation of the protein by 60 amino acids. The exact functional effect of the additional amino acids is unknown. Based on the available evidence, the clinical significance of this variant remains unclear.

NM_004064.5(CDKN1B):c.595T>G (p.Ter199Glu)

Gene: CDKN1B (cyclin dependent kinase inhibitor 1B; plus strand). Cytogenetic location: 12p13.1.
Variant type: single nucleotide variant.
Coding change: c.595T>G on transcript NM_004064.5 (MANE Select); coding-DNA position 595, T replaced by G.
Protein change: p.Ter199Glu.
Molecular consequence: stop lost.
Genome position (GRCh38, 1-based): chr12:12,718,944, T>G. VCF-style: chr12-12718944-T-G. GRCh37 (hg19) VCF-style: chr12-12871878-T-G.
Identifiers: ClinVar variation 3999747 (VCV003999747.1).